The following is an entry in ClinVar:

NM_000748.3(CHRNB2):c.1407C>G (p.Val469=)

Gene: CHRNB2 (cholinergic receptor nicotinic beta 2 subunit; plus strand). Cytogenetic location: 1q21.3.
Variant type: single nucleotide variant.
Coding change: c.1407C>G on transcript NM_000748.3 (MANE Select); coding-DNA position 1407, C replaced by G.
Protein change: p.Val469=; no amino-acid change (valine 469 retained).
Molecular consequence: synonymous variant.
Genome position (GRCh38, 1-based): chr1:154,575,830, C>G. VCF-style: chr1-154575830-C-G. GRCh37 (hg19) VCF-style: chr1-154548306-C-G.
Other names: p.V469V:GTC>GTG.
Identifiers: ClinVar variation 136772 (VCV000136772.20), dbSNP rs138886952, ClinGen allele CA290094.

ClinVar aggregate classification (germline): Benign/Likely benign. Review status: criteria provided, multiple submitters, no conflicts (2 of 4 stars). 6 submissions from 6 submitters: Benign (3); Likely benign (3). Last evaluated 2026-03-01.

Conditions:
Familial sleep-related hypermotor epilepsy. Also called: Autosomal Dominant Sleep-Related Hypermotor (Hyperkinetic) Epilepsy. Identifiers: Orphanet 98784, MedGen C3696898, MONDO:0000030.
Inborn genetic diseases. Identifiers: MedGen C0950123, MeSH D030342.
Autosomal dominant nocturnal frontal lobe epilepsy 3. Also called: CHRNB2-Related Nocturnal Frontal Lobe Epilepsy, Autosomal Dominant. Identifiers: Orphanet 98784, MedGen C1854335, MONDO:0011545, OMIM 605375.

Allele frequency attached by ClinVar (database versions not stated): gnomAD 0.00024 and 0.00033; TOPMed 0.00038; gnomAD exomes 0.00080; 1000 Genomes Project 0.00160; 1000 Genomes Project 30x 0.00172.
gnomAD v4.1: 456 of 1,614,176 alleles (0.028%); highest among the groups gnomAD compares: East Asian, 0.87%; 3 homozygotes.

Submissions (6):

CeGaT Center for Human Genetics Tuebingen
Classification: Likely benign. Last evaluated: 2026-03-01. Review status: criteria provided, single submitter. Criteria: CeGaT Center For Human Genetics Tuebingen Variant Classification Criteria Version 2. Collection method: clinical testing. Allele origin: germline. Affected: yes. Observed: 1 variant allele.
Comment: CHRNB2: BP4, BP7, BS1

Labcorp Genetics (formerly Invitae), Labcorp
Classification: Benign. Last evaluated: 2025-10-07. Review status: criteria provided, single submitter. Criteria: Invitae Variant Classification Sherloc (09022015). Collection method: clinical testing. Allele origin: germline.

ARUP Laboratories, Molecular Genetics and Genomics, ARUP Laboratories
Classification: Likely benign for Autosomal dominant nocturnal frontal lobe epilepsy 3. Last evaluated: 2024-11-14. Review status: criteria provided, single submitter. Criteria: ARUP Molecular Germline Variant Investigation Process 2024. Collection method: clinical testing. Allele origin: germline.

Blueprint Genetics
Classification: Likely benign. Last evaluated: 2024-10-31. Review status: criteria provided, single submitter. Criteria: ACMG Guidelines, 2015. Collection method: clinical testing. Allele origin: germline.

Ambry Genetics
Classification: Benign for Inborn genetic diseases. Last evaluated: 2017-06-27. Review status: criteria provided, single submitter. Criteria: Ambry Variant Classification Scheme 2023. Collection method: clinical testing. Allele origin: germline.

GeneDx
Classification: Benign. Last evaluated: 2013-04-02. Review status: criteria provided, single submitter. Criteria: GeneDx Variant Classification (06012015). Collection method: clinical testing. Allele origin: germline. Affected: yes.
Comment: This variant is considered likely benign or benign based on one or more of the following criteria: it is a conservative change, it occurs at a poorly conserved position in the protein, it is predicted to be benign by multiple in silico algorithms, and/or has population frequency not consistent with disease.